The following is an entry in ClinVar:

ClinVar aggregate classification (germline): Pathogenic (1 of 4 stars; one submission).

Submission:

Labcorp Genetics (formerly Invitae), Labcorp
Classification: Pathogenic. Last evaluated: 2024-01-29. Review status: criteria provided, single submitter. Criteria: Invitae Variant Classification Sherloc (09022015). Collection method: clinical testing. Allele origin: germline.
Comment: This sequence change creates a premature translational stop signal (p.Trp983Alafs*15) in the ATP8B1 gene. It is expected to result in an absent or disrupted protein product. Loss-of-function variants in ATP8B1 are known to be pathogenic (PMID: 15239083, 22525741). This variant is not present in population databases (gnomAD no frequency). This variant has not been reported in the literature in individuals affected with ATP8B1-related conditions. For these reasons, this variant has been classified as Pathogenic.

Literature cited by the submitters: PubMed 15239083; PubMed 22525741.

NM_001374385.1(ATP8B1):c.2946_2947insGCTTGTATGTTTTTATCTTTATCTTTGGTTATTTTTTCATGTTGACATTAAGAGTAGCG (p.Trp983delinsAlaCysMetPheLeuSerLeuSerLeuValIlePheSerCysTer)

Genes: ATP8B1 (ATPase phospholipid transporting 8B1; minus strand), ATP8B1-AS1 (ATP8B1 antisense RNA 1; plus strand). Cytogenetic location: 18q21.31.
Variant type: Insertion.
Coding change: c.2946_2947insGCTTGTATGTTTTTATCTTTATCTTTGGTTATTTTTTCATGTTGACATTAAGAGTAGCG on transcript NM_001374385.1 (MANE Select); coding-DNA positions 2946 to 2947, GCTTGTATGTTTTTATCTTTATCTTTGGTTATTTTTTCATGTTGACATTAAGAGTAGCG inserted.
Protein change: p.Trp983delinsAlaCysMetPheLeuSerLeuSerLeuValIlePheSerCysTer.
Molecular consequence: nonsense.
Genome position: GRCh38: chr18:57,654,060-57,654,061. GRCh37 (hg19): chr18:55,321,292-55,321,293.
Other names: c.2946_2947insGCTTGTATGTTTTTATCTTTATCTTTGGTTATTTTTTCATGTTGACATTAAGAGTAGCG, p.Trp983delinsAlaCysMetPheLeuSerLeuSerLeuValIlePheSerCysTer (NM_005603.6); c.2796_2797insGCTTGTATGTTTTTATCTTTATCTTTGGTTATTTTTTCATGTTGACATTAAGAGTAGCG, p.Trp933delinsAlaCysMetPheLeuSerLeuSerLeuValIlePheSerCysTer (NM_001374386.1).
Identifiers: ClinVar variation 2749908 (VCV002749908.3), dbSNP rs2511625419, ClinGen allele CA2697555518.